The following is an entry in ClinVar:

NM_001291867.2(NHS):c.742C>T (p.Arg248Ter)

Gene: NHS (NHS actin remodeling regulator; plus strand). Cytogenetic location: Xp22.13.
Variant type: single nucleotide variant.
Coding change: c.742C>T on transcript NM_001291867.2 (MANE Select); coding-DNA position 742, C replaced by T.
Protein change: p.Arg248Ter; replaces arginine 248 with a stop codon.
Molecular consequence: nonsense.
Genome position (GRCh38, 1-based): chrX:17,692,358, C>T. VCF-style: chrX-17692358-C-T. GRCh37 (hg19) VCF-style: chrX-17710478-C-T.
Other names: c.211C>T, p.Arg71Ter (NM_001136024.4, NM_001291868.2); c.742C>T, p.Arg248Ter (NM_198270.4); short protein forms R248*, R71*.
Identifiers: ClinVar variation 620118 (VCV000620118.14), dbSNP rs1569310232, ClinGen allele CA412326876.

ClinVar aggregate classification (germline): Pathogenic. Review status: criteria provided, multiple submitters, no conflicts (2 of 4 stars). 4 submissions from 4 submitters: Pathogenic (4). Last evaluated 2026-07-27.

Conditions:
NHS-related disorder. Also called: NHS-related condition.
Nance-Horan syndrome (NHS). Identifiers: Orphanet 627, MedGen C0796085, MONDO:0010545, OMIM 302350.

Allele frequency attached by ClinVar (database versions not stated): gnomAD exomes below 0.00001.
gnomAD v4.1: 1 of 1,211,021 alleles (0.000083%); highest among the groups gnomAD compares: Non-Finnish European, 0.00011%; no homozygotes.

Submissions (4):

PreventionGenetics, part of Exact Sciences
Classification: Pathogenic for NHS-related condition. Last evaluated: 2026-07-27. Review status: criteria provided, single submitter. Criteria: ACMG Guidelines, 2015. Collection method: clinical testing. Allele origin: germline.
Comment: The NHS c.742C>T variant is predicted to result in premature protein termination (p.Arg248*). This variant has been reported in multiple individuals with Nance-Horan syndrome (Sharma et al. 2008. PubMed ID: 18949062; Shoshany et al. 2017. PubMed ID: 28557584). This variant is absent in a large population database (gnomAD), indicating this variant is rare. Nonsense variants in NHS are an established mechanism of disease. This variant is interpreted as pathogenic.

Labcorp Genetics (formerly Invitae), Labcorp
Classification: Pathogenic for Nance-Horan syndrome. Last evaluated: 2024-03-02. Review status: criteria provided, single submitter. Criteria: Invitae Variant Classification Sherloc (09022015). Collection method: clinical testing. Allele origin: germline.
Comment: This sequence change creates a premature translational stop signal (p.Arg248*) in the NHS gene. It is expected to result in an absent or disrupted protein product. Loss-of-function variants in NHS are known to be pathogenic (PMID: 14564667, 19414485). This variant is not present in population databases (gnomAD no frequency). This premature translational stop signal has been observed in individuals with Nance-Horan syndrome (PMID: 28557584). It has also been observed to segregate with disease in related individuals. ClinVar contains an entry for this variant (Variation ID: 620118). For these reasons, this variant has been classified as Pathogenic.

Blueprint Genetics
Classification: Pathogenic for NHS-related disorders. Last evaluated: 2024-02-06. Review status: criteria provided, single submitter. Criteria: ACMG Guidelines, 2015. Collection method: clinical testing. Allele origin: germline. Affected: yes. Observed: 1 variant allele.

GeneDx
Classification: Pathogenic. Last evaluated: 2022-06-29. Review status: criteria provided, single submitter. Criteria: GeneDx Variant Classification Process June 2021. Collection method: clinical testing. Allele origin: germline. Affected: yes.
Comment: Nonsense variant predicted to result in protein truncation or nonsense mediated decay in a gene for which loss-of-function is a known mechanism of disease; Not observed in large population cohorts (gnomAD); This variant is associated with the following publications: (PMID: 25525159, 28557584, 18949062)

Literature cited by the submitters: PubMed 14564667 (cited by Labcorp Genetics (formerly Invitae), Labcorp); PubMed 19414485 (cited by Labcorp Genetics (formerly Invitae), Labcorp); PubMed 28557584 (cited by Labcorp Genetics (formerly Invitae), Labcorp).